The following is an entry in ClinVar:

NM_001032283.3(TMPO):c.565+1813TC[2]

Gene: TMPO (thymopoietin; plus strand). Cytogenetic location: 12q23.1.
Variant type: Microsatellite.
Coding change: c.565+1813TC[2] on transcript NM_001032283.3 (MANE Select); two copies in a row of the 2-base unit TC starting at c.565+1813; the reference has three copies in a row; one copy, 2 bases deleted.
Molecular consequence: intron variant. On other transcripts: frameshift variant (1).
Genome position (GRCh38, 1-based): chr12:98,533,655-98,533,656, TC deleted; deleting any 2 consecutive bases within chr12:98,533,651-98,533,656 gives the same sequence; the position shown is the placement nearest the transcript's 3' end. VCF-style (leftmost placement, unchanged base first): chr12-98533650-GTC-G. GRCh37 (hg19) VCF-style: chr12-98927428-GTC-G.
Other names: c.1398_1399del, p.His467fs (NM_003276.2); c.565+1813TC[2] (NM_001307975.2, NM_001032284.3); short protein forms H467fs.
Identifiers: ClinVar variation 1021597 (VCV001021597.7), dbSNP rs1877364478, ClinGen allele CA950945692.

ClinVar aggregate classification (germline): Uncertain significance (1 of 4 stars; one submission).

Conditions:
Loeys-Dietz syndrome 2 (LDS2). Also called: TGFBR2-Related Loeys-Dietz Syndrome; AORTIC ANEURYSM, FAMILIAL THORACIC 3; Marfan syndrome, type 2 (formerly); MARFAN SYNDROME, TYPE II; Marfan Syndrome type 2; Marfan like connective tissue disorder. Identifiers: Orphanet 284973, Orphanet 558, MedGen C2674574, MONDO:0012427, OMIM 610168.

Submission:

Labcorp Genetics (formerly Invitae), Labcorp
Classification: Uncertain significance for Loeys-Dietz syndrome 2. Last evaluated: 2020-04-24. Review status: criteria provided, single submitter. Criteria: Invitae Variant Classification Sherloc (09022015). Collection method: clinical testing. Allele origin: germline.
Comment: In summary, the available evidence is currently insufficient to determine the role of this variant in disease. Therefore, it has been classified as a Variant of Uncertain Significance. Experimental studies and prediction algorithms are not available or were not evaluated, and the functional significance of this variant is currently unknown. This sequence change results in a premature translational stop signal in the TMPO gene (p.His467Phefs*11). While this is not anticipated to result in nonsense mediated decay, it is expected to disrupt the last 228 amino acids of the TMPO protein. This variant has not been reported in the literature in individuals with TMPO-related conditions. This variant is not present in population databases (ExAC no frequency).